The following is an entry in ClinVar:

ClinVar aggregate classification (germline): Uncertain significance (1 of 4 stars; one submission).

Conditions:
Autosomal dominant nocturnal frontal lobe epilepsy 5. Also called: Epilepsy, nocturnal frontal lobe, 5; CILIARY DYSKINESIA, PRIMARY, 28, WITH SITUS INVERSUS; KCNT1-Related Epilepsy; CILIARY DYSKINESIA, PRIMARY, 28, WITHOUT SITUS INVERSUS. Identifiers: Orphanet 98784, MedGen C3554306, MONDO:0014002, OMIM 615005.
Developmental and epileptic encephalopathy, 14 (DEE14). Also called: Early infantile epileptic encephalopathy 14. Identifiers: Orphanet 293181, MedGen C3554195, MONDO:0013989, OMIM 614959.

Submission:

Labcorp Genetics (formerly Invitae), Labcorp
Classification: Uncertain significance for Autosomal dominant nocturnal frontal lobe epilepsy 5; Developmental and epileptic encephalopathy, 14. Last evaluated: 2019-10-23. Review status: criteria provided, single submitter. Criteria: Invitae Variant Classification Sherloc (09022015). Collection method: clinical testing. Allele origin: germline.
Comment: In summary, the available evidence is currently insufficient to determine the role of this variant in disease. Therefore, it has been classified as a Variant of Uncertain Significance. Algorithms developed to predict the effect of missense changes on protein structure and function are either unavailable or do not agree on the potential impact of this missense change (SIFT: "Deleterious"; PolyPhen-2: "Benign"; Align-GVGD: "Class C0"). This variant has not been reported in the literature in individuals with KCNT1-related conditions. This variant is not present in population databases (ExAC no frequency). This sequence change replaces methionine with leucine at codon 927 of the KCNT1 protein (p.Met927Leu). The methionine residue is highly conserved and there is a small physicochemical difference between methionine and leucine.

NM_020822.3(KCNT1):c.2779A>T (p.Met927Leu)

Gene: KCNT1 (potassium sodium-activated channel subfamily T member 1; plus strand). Cytogenetic location: 9q34.3.
Variant type: single nucleotide variant.
Coding change: c.2779A>T on transcript NM_020822.3 (MANE Select); coding-DNA position 2779, A replaced by T.
Protein change: p.Met927Leu; replaces methionine 927 with leucine.
Molecular consequence: missense variant.
Genome position (GRCh38, 1-based): chr9:135,779,408, A>T. VCF-style: chr9-135779408-A-T. GRCh37 (hg19) VCF-style: chr9-138671254-A-T.
Other names: c.2644A>T, p.Met882Leu (NM_001272003.2); short protein forms M927L, M882L.
Identifiers: ClinVar variation 961311 (VCV000961311.10), dbSNP rs1486195544, ClinGen allele CA375515548.